The following is an entry in ClinVar:

NM_001369268.1(ACAN):c.1589G>A (p.Arg530Gln)

Gene: ACAN (aggrecan; plus strand). Cytogenetic location: 15q26.1.
Variant type: single nucleotide variant.
Coding change: c.1589G>A on transcript NM_001369268.1 (MANE Select); coding-DNA position 1589, G replaced by A.
Protein change: p.Arg530Gln; replaces arginine 530 with glutamine.
Molecular consequence: missense variant.
Genome position (GRCh38, 1-based): chr15:88,847,402, G>A. VCF-style: chr15-88847402-G-A. GRCh37 (hg19) VCF-style: chr15-89390633-G-A.
Other names: c.1589G>A, p.Arg530Gln (NM_001135.4, NM_013227.4); c.1589G>A (NM_013227.3); short protein forms R530Q.
Identifiers: ClinVar variation 1599615 (VCV001599615.10), dbSNP rs544077619, ClinGen allele CA7719600.

ClinVar aggregate classification (germline): Benign/Likely benign. Review status: criteria provided, multiple submitters, no conflicts (2 of 4 stars). 3 submissions from 3 submitters: Benign (1); Likely benign (2). Last evaluated 2025-12-15.

Conditions:
Inborn genetic diseases. Identifiers: MedGen C0950123, MeSH D030342.

Allele frequency attached by ClinVar (database versions not stated): gnomAD exomes 0.00005 and 0.00024; gnomAD 0.00008 and 0.00011; TOPMed 0.00012; ExAC 0.00055; 1000 Genomes Project 30x 0.00109; 1000 Genomes Project 0.00120.
gnomAD v4.1: 89 of 1,577,912 alleles (0.0056%); highest among the groups gnomAD compares: East Asian, 0.15%; no homozygotes.

Submissions (3):

Women's Health and Genetics/Laboratory Corporation of America, LabCorp
Classification: Likely benign. Last evaluated: 2025-12-15. Review status: criteria provided, single submitter. Criteria: LabCorp Variant Classification Summary - May 2015. Collection method: clinical testing. Allele origin: germline.
Comment: Variant summary: ACAN c.1589G>A (p.Arg530Gln) results in a conservative amino acid change in the encoded protein sequence. Algorithms developed to predict the effect of missense changes on protein structure and function all suggest that this variant is likely to be tolerated. The variant allele was found at a frequency of 0.00024 in 209952 control chromosomes, predominantly at a frequency of 0.0028 within the East Asian subpopulation in the gnomAD database. The observed variant frequency within East Asian control individuals in the gnomAD database exceeds the estimated maximal expected allele frequency for disease-causing variants in ACAN. To our knowledge, no occurrence of c.1589G>A in individuals affected with ACAN-related conditions and no experimental evidence demonstrating its impact on protein function have been reported. ClinVar contains an entry for this variant (Variation ID: 1599615). Based on the evidence outlined above, the variant was classified as likely benign.

Labcorp Genetics (formerly Invitae), Labcorp
Classification: Benign. Last evaluated: 2025-05-11. Review status: criteria provided, single submitter. Criteria: Invitae Variant Classification Sherloc (09022015). Collection method: clinical testing. Allele origin: germline.

Ambry Genetics
Classification: Likely benign for Inborn genetic diseases. Last evaluated: 2021-08-30. Review status: criteria provided, single submitter. Criteria: Ambry Variant Classification Scheme 2023. Collection method: clinical testing. Allele origin: germline.